The following is an entry in ClinVar:

NM_001278293.3(ARL6):c.445T>C (p.Leu149=)

Gene: ARL6 (ARF like GTPase 6; plus strand). Cytogenetic location: 3q11.2.
Variant type: single nucleotide variant.
Coding change: c.445T>C on transcript NM_001278293.3 (MANE Select); coding-DNA position 445, T replaced by C.
Protein change: p.Leu149=; no amino-acid change (leucine 149 retained).
Molecular consequence: synonymous variant. On other transcripts: non-coding transcript variant (7).
Genome position (GRCh38, 1-based): chr3:97,788,085, T>C. VCF-style: chr3-97788085-T-C. GRCh37 (hg19) VCF-style: chr3-97506929-T-C.
Other names: c.445T>C, p.Leu149= (NM_001323513.2, NM_001323514.2, NM_032146.5 and 1 more transcripts).
Identifiers: ClinVar variation 4999912 (VCV004999912.1).

ClinVar aggregate classification (germline): Likely benign (1 of 4 stars; one submission).

Conditions:
ARL6-related disorder. Also called: ARL6-related condition.

Submission:

PreventionGenetics, part of Exact Sciences
Classification: Likely benign for ARL6-related condition. Last evaluated: 2025-07-15. Review status: criteria provided, single submitter. Criteria: ACMG Guidelines, 2015. Collection method: clinical testing. Allele origin: germline.
Comment: This variant is classified as likely benign based on ACMG/AMP sequence variant interpretation guidelines (Richards et al. 2015 PMID: 25741868, with internal and published modifications).